The following is an entry in ClinVar:

NM_001048174.2(MUTYH):c.1243G>T (p.Val415Phe)

Gene: MUTYH (mutY DNA glycosylase; minus strand). Cytogenetic location: 1p34.1.
Variant type: single nucleotide variant.
Coding change: c.1243G>T on transcript NM_001048174.2 (MANE Select); coding-DNA position 1243, G replaced by T.
Protein change: p.Val415Phe; replaces valine 415 with phenylalanine.
Molecular consequence: missense variant. On other transcripts: non-coding transcript variant (2).
Genome position (GRCh38, 1-based): chr1:45,331,331, C>A on the plus strand (G>T on the coding strand, the complement: MUTYH is on the minus strand). VCF-style: chr1-45331331-C-A. GRCh37 (hg19) VCF-style: chr1-45797003-C-A.
Other names: c.1243G>T, p.Val415Phe (NM_001048171.2, NM_001048173.2, NM_001293195.2); c.1246G>T, p.Val416Phe (NM_001048172.2); c.1276G>T, p.Val426Phe (NM_001293191.2); c.1327G>T, p.Val443Phe (NM_001128425.2); c.1288G>T, p.Val430Phe (NM_001293190.2); c.967G>T, p.Val323Phe (NM_001293192.2, NM_001293196.2); c.898G>T, p.Val300Phe (NM_001350650.2, NM_001350651.2); c.1318G>T, p.Val440Phe (NM_012222.3); short protein forms V300F, V323F, V415F, V416F, V426F, V430F, V440F, V443F.
Identifiers: ClinVar variation 1172231 (VCV001172231.5), dbSNP rs1570367534, ClinGen allele CA340132802.

ClinVar aggregate classification (germline): Uncertain significance. Review status: criteria provided, multiple submitters, no conflicts (2 of 4 stars). 2 submissions from 2 submitters: Uncertain significance (2). Last evaluated 2024-03-07.

Conditions:
Hereditary cancer-predisposing syndrome. Also called: Tumor predisposition; Hereditary neoplastic syndrome; Hereditary Cancer Syndrome; Neoplastic Syndromes, Hereditary. Identifiers: Orphanet 140162, MedGen C0027672, MeSH D009386, MONDO:0015356.

Submissions (2):

Color Diagnostics, LLC DBA Color Health
Classification: Uncertain significance for Hereditary cancer-predisposing syndrome. Last evaluated: 2024-03-07. Review status: criteria provided, single submitter. Criteria: ACMG Guidelines, 2015. Collection method: clinical testing. Allele origin: germline.
Comment: This missense variant replaces valine with phenylalanine at codon 443 of the MUTYH protein. Computational prediction is inconclusive regarding the impact of this variant on protein structure and function (internally defined REVEL score threshold 0.5 < inconclusive < 0.7, PMID: 27666373). To our knowledge, functional studies have not been reported for this variant. This variant has not been reported in individuals affected with hereditary cancer in the literature. This variant has not been identified in the general population by the Genome Aggregation Database (gnomAD). The available evidence is insufficient to determine the role of this variant in disease conclusively. Therefore, this variant is classified as a Variant of Uncertain Significance.

Ambry Genetics
Classification: Uncertain significance for Hereditary cancer-predisposing syndrome. Last evaluated: 2020-09-22. Review status: criteria provided, single submitter. Criteria: Ambry Variant Classification Scheme 2023. Collection method: clinical testing. Allele origin: germline.
Comment: The p.V443F variant (also known as c.1327G>T), located in coding exon 14 of the MUTYH gene, results from a G to T substitution at nucleotide position 1327. The valine at codon 443 is replaced by phenylalanine, an amino acid with highly similar properties. This amino acid position is not well conserved in available vertebrate species. In addition, the in silico prediction for this alteration is inconclusive. Since supporting evidence is limited at this time, the clinical significance of this alteration remains unclear.